The following is an entry in ClinVar:

ClinVar aggregate classification (germline): Uncertain significance (1 of 4 stars; one submission).

Conditions:
Severe combined immunodeficiency due to DNA-PKcs deficiency. Also called: IMMUNODEFICIENCY 26 WITH NEUROLOGIC ABNORMALITIES; Immunodeficiency 26 with or without neurologic abnormalities. Identifiers: Orphanet 317425, MedGen C4014833, MONDO:0014423, OMIM 615966.

Allele frequency attached by ClinVar (database versions not stated): gnomAD 0.00001; gnomAD exomes 0.00001 and 0.00004; TOPMed 0.00003.
gnomAD v4.1: 10 of 1,568,024 alleles (0.00064%); highest among the groups gnomAD compares: Admixed American, 0.019%; no homozygotes.

Submission:

Labcorp Genetics (formerly Invitae), Labcorp
Classification: Uncertain significance for Severe combined immunodeficiency due to DNA-PKcs deficiency. Last evaluated: 2026-01-02. Review status: criteria provided, single submitter. Criteria: Invitae Variant Classification Sherloc (09022015). Collection method: clinical testing. Allele origin: germline.
Comment: This sequence change replaces valine, which is neutral and non-polar, with methionine, which is neutral and non-polar, at codon 2304 of the PRKDC protein (p.Val2304Met). This variant is present in population databases (no rsID available, gnomAD 0.02%). This variant has not been reported in the literature in individuals affected with PRKDC-related conditions. ClinVar contains an entry for this variant (Variation ID: 1363683). Invitae Evidence Modeling of protein sequence and biophysical properties (such as structural, functional, and spatial information, amino acid conservation, physicochemical variation, residue mobility, and thermodynamic stability) indicates that this missense variant is not expected to disrupt PRKDC protein function with a negative predictive value of 80%. In summary, the available evidence is currently insufficient to determine the role of this variant in disease. Therefore, it has been classified as a Variant of Uncertain Significance.

NM_006904.7(PRKDC):c.6910G>A (p.Val2304Met)

Gene: PRKDC (protein kinase, DNA-activated, catalytic subunit; minus strand). Cytogenetic location: 8q11.21.
Variant type: single nucleotide variant.
Coding change: c.6910G>A on transcript NM_006904.7 (MANE Select); coding-DNA position 6910, G replaced by A.
Protein change: p.Val2304Met; replaces valine 2304 with methionine.
Molecular consequence: missense variant.
Genome position (GRCh38, 1-based): chr8:47,852,768, C>T on the plus strand (G>A on the coding strand, the complement: PRKDC is on the minus strand). VCF-style: chr8-47852768-C-T. GRCh37 (hg19) VCF-style: chr8-48765329-C-T.
Other names: c.6910G>A, p.Val2304Met (NM_001081640.2); short protein forms V2304M.
Identifiers: ClinVar variation 1363683 (VCV001363683.6), dbSNP rs1442300650, ClinGen allele CA371158295.
Genomic context (GRCh38, chr8:47,852,768, plus strand): 5'-CTAGAACTTCTGCTGCAGCGGCATACACTTCTTTATATCTTACAAAGGACATATTATTCA[C>T]CAAAGCCTGGAAGTATCTACAATAAACACAGAAAAGACATATGCATCAAATAAACCATTC-3'
Protein context (NP_008835.5, residues 2294-2314): IQSSEYFQAL[Val2304Met]NNMSFVRYKE